The following is an entry in ClinVar:

NM_000257.4(MYH7):c.3187del (p.Gln1063fs)

Gene: MYH7 (myosin heavy chain 7; minus strand). Cytogenetic location: 14q11.2.
Variant type: Deletion.
Coding change: c.3187del on transcript NM_000257.4 (MANE Select); coding-DNA position 3187, one base deleted (C; older notation c.3187delC).
Protein change: p.Gln1063fs; shifts the reading frame from glutamine 1063.
Molecular consequence: frameshift variant.
Genome position (GRCh38, 1-based): chr14:23,422,238, G deleted on the plus strand (C on the coding strand, the reverse complement: MYH7 is on the minus strand); the first of 3 consecutive G bases (chr14:23,422,238-23,422,240); deleting any one gives the same sequence. VCF-style (leftmost placement, unchanged base first): chr14-23422237-TG-T. GRCh37 (hg19) VCF-style: chr14-23891446-TG-T.
Other names: short protein forms Q1063fs.
Identifiers: ClinVar variation 1462580 (VCV001462580.6), dbSNP rs2138658854, ClinGen allele CA2573149854.

ClinVar aggregate classification (germline): Uncertain significance (1 of 4 stars; one submission).

Conditions:
Hypertrophic cardiomyopathy. Also called: HYPERTROPHIC MYOCARDIOPATHY. Identifiers: Orphanet 217569, MedGen C0007194, MeSH D002312, MONDO:0005045, HP:0001639.

Submission:

Labcorp Genetics (formerly Invitae), Labcorp
Classification: Uncertain significance for Hypertrophic cardiomyopathy. Last evaluated: 2024-01-11. Review status: criteria provided, single submitter. Criteria: Invitae Variant Classification Sherloc (09022015). Collection method: clinical testing. Allele origin: germline.
Comment: This sequence change creates a premature translational stop signal (p.Gln1063Argfs*18) in the MYH7 gene. It is expected to result in an absent or disrupted protein product. However, the current clinical and genetic evidence is not sufficient to establish whether loss-of-function variants in MYH7 cause disease. This variant is not present in population databases (gnomAD no frequency). This variant has not been reported in the literature in individuals affected with MYH7-related conditions. ClinVar contains an entry for this variant (Variation ID: 1462580). In summary, the available evidence is currently insufficient to determine the role of this variant in disease. Therefore, it has been classified as a Variant of Uncertain Significance.